The following is an entry in ClinVar:

NM_021922.3(FANCE):c.52C>T (p.Pro18Ser)

Genes: FANCE (FA complementation group E; plus strand), LOC129996245 (ATAC-STARR-seq lymphoblastoid silent region 17092; plus strand). Cytogenetic location: 6p21.31.
Variant type: single nucleotide variant.
Coding change: c.52C>T on transcript NM_021922.3 (MANE Select); coding-DNA position 52, C replaced by T.
Protein change: p.Pro18Ser; replaces proline 18 with serine.
Molecular consequence: missense variant.
Genome position (GRCh38, 1-based): chr6:35,452,597, C>T. VCF-style: chr6-35452597-C-T. GRCh37 (hg19) VCF-style: chr6-35420374-C-T.
Other names: short protein forms P18S.
Identifiers: ClinVar variation 134331 (VCV000134331.20), dbSNP rs552241929, ClinGen allele CA159522.

ClinVar aggregate classification (germline): Conflicting classifications of pathogenicity. Review status: criteria provided, conflicting classifications (1 of 4 stars). 7 submissions from 7 submitters: Uncertain significance (4); Likely benign (2). 1 of the submissions does not count toward it. Last evaluated 2026-02-01.

Conditions:
Fanconi anemia (FA). Also called: Fanconi's anemia. Identifiers: Orphanet 84, MedGen C0015625, MeSH D005199, MONDO:0019391.
Fanconi anemia complementation group E (FANCE). Also called: FANCE-Related Fanconi Anemia. Identifiers: Orphanet 84, MedGen C3160739, MONDO:0010953, OMIM 600901.

Allele frequency attached by ClinVar (database versions not stated): TOPMed 0.00008; gnomAD 0.00009 and 0.00016; gnomAD exomes 0.00021 and 0.00058; 1000 Genomes Project 30x 0.00047; 1000 Genomes Project 0.00060; ExAC 0.00159.
gnomAD v4.1: 271 of 1,321,212 alleles (0.021%); highest among the groups gnomAD compares: South Asian, 0.3%; 3 homozygotes.

Submissions (7):

Labcorp Genetics (formerly Invitae), Labcorp
Classification: Likely benign for Fanconi anemia complementation group E. Last evaluated: 2026-02-01. Review status: criteria provided, single submitter. Criteria: Invitae Variant Classification Sherloc (09022015). Collection method: clinical testing. Allele origin: germline.

Blueprint Genetics
Classification: Uncertain significance. Last evaluated: 2024-06-06. Review status: criteria provided, single submitter. Criteria: ACMG Guidelines, 2015. Collection method: clinical testing. Allele origin: germline.

Institute for Clinical Genetics, University Hospital TU Dresden, University Hospital TU Dresden
Classification: Uncertain significance. Last evaluated: 2021-11-03. Review status: criteria provided, single submitter. Criteria: ACMG Guidelines, 2015. Collection method: clinical testing. Allele origin: germline.

Sema4
Classification: Likely benign for Fanconi anemia. Last evaluated: 2021-08-24. Review status: criteria provided, single submitter. Criteria: Sema4 Curation Guidelines. Collection method: curation. Allele origin: germline.

Fulgent Genetics
Classification: Uncertain significance for Fanconi anemia complementation group E. Last evaluated: 2018-10-31. Review status: criteria provided, single submitter. Criteria: ACMG Guidelines, 2015. Collection method: clinical testing. Allele origin: unknown.

Illumina Laboratory Services, Illumina
Classification: Uncertain significance for Fanconi anemia complementation group E. Last evaluated: 2018-01-13. Review status: criteria provided, single submitter. Criteria: ICSL Variant Classification Criteria 13 December 2019. Collection method: clinical testing. Allele origin: germline.

ITMI
No classification provided. Condition: AllHighlyPenetrant. Last evaluated: 2013-09-19. Review status: no classification provided. Collection method: reference population. Allele origin: germline. Not counted in ClinVar's aggregate classification.
Comment: Please see associated publication for description of ethnicities

Literature cited by the submitters: PubMed 24728327 (cited by ITMI).